The following is an entry in ClinVar:

ClinVar aggregate classification (germline): Likely pathogenic (1 of 4 stars; one submission).

Conditions:
Gaucher disease. Also called: Acute cerebral Gaucher disease; Cerebroside lipidosis syndrome; Gaucher splenomegaly; Sphingolipidosis 1; Glucocerebrosidosis; Glucosylceramidase deficiency. Identifiers: Orphanet 355, MedGen C0017205, MONDO:0018150.

Submission:

Natera, Inc.
Classification: Likely pathogenic for Gaucher disease. Last evaluated: 2024-08-20. Review status: criteria provided, single submitter. Criteria: Natera Variant Classification Schema (03/2026). Collection method: clinical testing. Allele origin: germline.
Comment: The c.454+2T>C variant in GBA1 is a canonical splice donor site variant predicted to affect pre-mRNA splicing, which may result in an abnormal transcript and altered protein product. This variant is expected to result in nonsense mediated decay, truncation, or a dysfunctional protein product. This variant is rare in the general population with a frequency below the threshold expected for the associated phenotype(s). Given the available evidence, this variant is classified as Likely Pathogenic.

NM_000157.4(GBA1):c.454+2T>C

Genes: GBA1 (glucosylceramidase beta 1; minus strand), LOC106627981 (GBA recombination region; plus strand). Cytogenetic location: 1q22.
Variant type: single nucleotide variant.
Coding change: c.454+2T>C on transcript NM_000157.4 (MANE Select); the canonical splice donor site of the intron after coding-DNA position 454, T replaced by C.
Molecular consequence: splice donor variant. On other transcripts: intron variant (1).
Genome position (GRCh38, 1-based): chr1:155,239,614, A>G on the plus strand (T>C on the coding strand, the complement: GBA1 is on the minus strand). VCF-style: chr1-155239614-A-G. GRCh37 (hg19) VCF-style: chr1-155209405-A-G.
Other names: c.193+2T>C (NM_001171811.2); c.454+2T>C (NM_001005742.3, NM_001005741.3); c.307+272T>C (NM_001171812.2).
Identifiers: ClinVar variation 4817765 (VCV004817765.1).